The following is an entry in ClinVar:

NM_001281775.3(ZMYND8):c.689C>A (p.Thr230Lys)

Gene: ZMYND8 (zinc finger MYND-type containing 8; minus strand). Cytogenetic location: 20q13.12.
Variant type: single nucleotide variant.
Coding change: c.689C>A on transcript NM_001281775.3 (MANE Select); coding-DNA position 689, C replaced by A.
Protein change: p.Thr230Lys; replaces threonine 230 with lysine.
Molecular consequence: missense variant. On other transcripts: 5 prime UTR variant (2).
Genome position (GRCh38, 1-based): chr20:47,290,246, G>T on the plus strand (C>A on the coding strand, the complement: ZMYND8 is on the minus strand). VCF-style: chr20-47290246-G-T. GRCh37 (hg19) VCF-style: chr20-45918990-G-T.
Other names: c.614C>A, p.Thr205Lys (NM_001281781.3, NM_001281782.3, NM_001281784.3 and 4 more transcripts); c.689C>A, p.Thr230Lys (NM_001281783.3, NM_012408.6, NM_183047.4 and 1 more transcripts); c.710C>A, p.Thr237Lys (NM_001363714.1); c.629C>A, p.Thr210Lys (NM_001363741.2, NM_001281772.3, NM_001281773.3 and 1 more transcripts); c.-247C>A (NM_001281779.3, NM_001281780.3); short protein forms T205K, T210K, T230K, T237K.
Identifiers: ClinVar variation 3234745 (VCV003234745.20), dbSNP rs2077168027, ClinGen allele CA409280005.

ClinVar aggregate classification (germline): Uncertain significance (1 of 4 stars; one submission).

Submission:

CeGaT Center for Human Genetics Tuebingen
Classification: Uncertain significance. Last evaluated: 2024-04-01. Review status: criteria provided, single submitter. Criteria: CeGaT Center For Human Genetics Tuebingen Variant Classification Criteria Version 2. Collection method: clinical testing. Allele origin: germline. Affected: yes. Observed: 1 variant allele.
Comment: ZMYND8: PM2, PP2, PS2:Supporting